The following is an entry in ClinVar:

NM_000423.3(KRT2):c.1230C>G (p.Ile410Met)

Gene: KRT2 (keratin 2; minus strand). Cytogenetic location: 12q13.13.
Variant type: single nucleotide variant.
Coding change: c.1230C>G on transcript NM_000423.3 (MANE Select); coding-DNA position 1230, C replaced by G.
Protein change: p.Ile410Met; replaces isoleucine 410 with methionine.
Molecular consequence: missense variant.
Genome position (GRCh38, 1-based): chr12:52,647,748, G>C on the plus strand (C>G on the coding strand, the complement: KRT2 is on the minus strand). VCF-style: chr12-52647748-G-C. GRCh37 (hg19) VCF-style: chr12-53041532-G-C.
Other names: short protein forms I410M.
Identifiers: ClinVar variation 2290396 (VCV002290396.3), dbSNP rs753421351, ClinGen allele CA6585556.

ClinVar aggregate classification (germline): Uncertain significance. Review status: criteria provided, multiple submitters, no conflicts (2 of 4 stars). 2 submissions from 2 submitters: Uncertain significance (2). Last evaluated 2025-05-27.

Conditions:
KRT2-related disorder. Also called: KRT2-related condition.
Inborn genetic diseases. Identifiers: MedGen C0950123, MeSH D030342.

Submissions (2):

PreventionGenetics, part of Exact Sciences
Classification: Uncertain significance for KRT2-related condition. Last evaluated: 2025-05-27. Review status: criteria provided, single submitter. Criteria: ACMG Guidelines, 2015. Collection method: clinical testing. Allele origin: germline.
Comment: The KRT2 c.1230C>G variant is predicted to result in the amino acid substitution p.Ile410Met. To our knowledge, this variant has not been reported in the literature. This variant is reported in 0.0040% of alleles in individuals of European (Finnish) descent in gnomAD. At this time, the clinical significance of this variant is uncertain due to the absence of conclusive functional and genetic evidence.

Ambry Genetics
Classification: Uncertain significance for Inborn genetic diseases. Last evaluated: 2022-05-18. Review status: criteria provided, single submitter. Criteria: Ambry Variant Classification Scheme 2023. Collection method: clinical testing. Allele origin: germline.